The following is an entry in ClinVar:

ClinVar aggregate classification (germline): Uncertain significance (0 of 4 stars; one submission).

Conditions:
SETD2-related disorder.

Submission:

PreventionGenetics, part of Exact Sciences
Classification: Uncertain significance for SETD2-related condition. Last evaluated: 2024-02-16. Review status: no assertion criteria provided. Collection method: clinical testing. Allele origin: germline.
Comment: The SETD2 c.7028G>A variant is predicted to result in the amino acid substitution p.Gly2343Glu. To our knowledge, this variant has not been reported in the literature or in a large population database, indicating this variant is rare. At this time, the clinical significance of this variant is uncertain due to the absence of conclusive functional and genetic evidence.

NM_014159.7(SETD2):c.7028G>A (p.Gly2343Glu)

Gene: SETD2 (SET domain containing 2, histone lysine methyltransferase; minus strand). Cytogenetic location: 3p21.31.
Variant type: single nucleotide variant.
Coding change: c.7028G>A on transcript NM_014159.7 (MANE Select); coding-DNA position 7028, G replaced by A.
Protein change: p.Gly2343Glu; replaces glycine 2343 with glutamic acid.
Molecular consequence: missense variant. On other transcripts: non-coding transcript variant (1).
Genome position (GRCh38, 1-based): chr3:47,046,557, C>T on the plus strand (G>A on the coding strand, the complement: SETD2 is on the minus strand). VCF-style: chr3-47046557-C-T. GRCh37 (hg19) VCF-style: chr3-47088047-C-T.
Other names: c.6896G>A, p.Gly2299Glu (NM_001349370.3); short protein forms G2299E, G2343E.
Identifiers: ClinVar variation 3039969 (VCV003039969.2), dbSNP rs2107549477, ClinGen allele CA352515602.